The following is an entry in ClinVar:

NM_176787.5(PIGN):c.2158A>G (p.Thr720Ala)

Gene: PIGN (phosphatidylinositol glycan anchor biosynthesis class N; minus strand). Cytogenetic location: 18q21.33.
Variant type: single nucleotide variant.
Coding change: c.2158A>G on transcript NM_176787.5 (MANE Select); coding-DNA position 2158, A replaced by G.
Protein change: p.Thr720Ala; replaces threonine 720 with alanine.
Molecular consequence: missense variant.
Genome position (GRCh38, 1-based): chr18:62,095,870, T>C on the plus strand (A>G on the coding strand, the complement: PIGN is on the minus strand). VCF-style: chr18-62095870-T-C. GRCh37 (hg19) VCF-style: chr18-59763103-T-C.
Other names: c.2158A>G, p.Thr720Ala (NM_012327.6); short protein forms T720A.
Identifiers: ClinVar variation 3705498 (VCV003705498.1).

ClinVar aggregate classification (germline): Uncertain significance (1 of 4 stars; one submission).

Conditions:
Multiple congenital anomalies-hypotonia-seizures syndrome 1 (MCAHS1). Also called: GLYCOSYLPHOSPHATIDYLINOSITOL BIOSYNTHESIS DEFECT 3; PIGN-CDG; Congenital disorder of glycosylation due to PIGN deficiency. Identifiers: Orphanet 280633, MedGen C3279775, MONDO:0013563, OMIM 614080.

gnomAD v4.1: 19 of 1,609,802 alleles (0.0012%); highest among the groups gnomAD compares: East Asian, 0.0022%; no homozygotes.

Submission:

Labcorp Genetics (formerly Invitae), Labcorp
Classification: Uncertain significance for Multiple congenital anomalies-hypotonia-seizures syndrome 1. Last evaluated: 2024-04-05. Review status: criteria provided, single submitter. Criteria: Invitae Variant Classification Sherloc (09022015). Collection method: clinical testing. Allele origin: germline.
Comment: This sequence change replaces threonine, which is neutral and polar, with alanine, which is neutral and non-polar, at codon 720 of the PIGN protein (p.Thr720Ala). This variant is present in population databases (rs757810262, gnomAD 0.02%). This variant has not been reported in the literature in individuals affected with PIGN-related conditions. Advanced modeling of protein sequence and biophysical properties (such as structural, functional, and spatial information, amino acid conservation, physicochemical variation, residue mobility, and thermodynamic stability) performed at Invitae indicates that this missense variant is not expected to disrupt PIGN protein function with a negative predictive value of 80%. In summary, the available evidence is currently insufficient to determine the role of this variant in disease. Therefore, it has been classified as a Variant of Uncertain Significance.